The following is an entry in ClinVar:

NM_018131.5(CEP55):c.680G>A (p.Gly227Asp)

Gene: CEP55 (centrosomal protein 55; plus strand). Cytogenetic location: 10q23.33.
Variant type: single nucleotide variant.
Coding change: c.680G>A on transcript NM_018131.5 (MANE Select); coding-DNA position 680, G replaced by A.
Protein change: p.Gly227Asp; replaces glycine 227 with aspartic acid.
Molecular consequence: missense variant.
Genome position (GRCh38, 1-based): chr10:93,516,935, G>A. VCF-style: chr10-93516935-G-A. GRCh37 (hg19) VCF-style: chr10-95276692-G-A.
Other names: c.680G>A, p.Gly227Asp (NM_001127182.2); c.680G>A (NM_001127182.1); short protein forms G227D.
Identifiers: ClinVar variation 1561257 (VCV001561257.10), dbSNP rs59085212, ClinGen allele CA5608981.

ClinVar aggregate classification (germline): Benign. Review status: criteria provided, multiple submitters, no conflicts (2 of 4 stars). 3 submissions from 3 submitters: Benign (2). 1 of the submissions does not count toward it. Last evaluated 2026-01-27.

Conditions:
CEP55-related disorder. Also called: CEP55-related condition.

Allele frequency attached by ClinVar (database versions not stated): 1000 Genomes Project 30x 0.03638; ESP Exome Variant Server 0.04459; TOPMed 0.04476; 1000 Genomes Project 0.03454.
gnomAD v4.1: 11,065 of 1,571,396 alleles (0.7%); highest among the groups gnomAD compares: African/African-American, 13%; 691 homozygotes.

Submissions (3):

Labcorp Genetics (formerly Invitae), Labcorp
Classification: Benign. Last evaluated: 2026-01-27. Review status: criteria provided, single submitter. Criteria: Invitae Variant Classification Sherloc (09022015). Collection method: clinical testing. Allele origin: germline.

Breakthrough Genomics
Classification: Benign. Review status: criteria provided, single submitter. Criteria: ACMG Guidelines, 2015. Collection method: not provided. Allele origin: germline. Inheritance: Autosomal recessive inheritance. Affected: yes.

PreventionGenetics, part of Exact Sciences
Classification: Benign for CEP55-related condition. Last evaluated: 2020-02-26. Review status: no assertion criteria provided. Collection method: clinical testing. Allele origin: germline. Not counted in ClinVar's aggregate classification.
Comment: This variant is classified as benign based on ACMG/AMP sequence variant interpretation guidelines (Richards et al. 2015 PMID: 25741868, with internal and published modifications).